The following is an entry in ClinVar:

ClinVar aggregate classification (germline): Likely benign. Review status: criteria provided, multiple submitters, no conflicts (2 of 4 stars). 2 submissions from 2 submitters: Likely benign (2). Last evaluated 2026-03-19.

Conditions:
Epidermolysis bullosa simplex 3, localized or generalized intermediate, with BP230 deficiency (EBS3). Also called: Epidermolysis bullosa simplex, autosomal recessive 2; Epidermolysis bullosa simplex due to BP230 deficiency. Identifiers: Orphanet 412181, MedGen C3809470, MONDO:0014180, OMIM 615425.
Hereditary sensory and autonomic neuropathy type 6. Also called: Neuropathy, hereditary sensory and autonomic, type VI; HSAN VI. Identifiers: Orphanet 314381, MedGen C3539003, MONDO:0013839, OMIM 614653.
DST-related disorder. Also called: DST-related condition; DST-related disorders.

Allele frequency attached by ClinVar (database versions not stated): ExAC 0.00001; gnomAD 0.00001; gnomAD exomes 0.00001 and 0.00002; TOPMed 0.00002.
gnomAD v4.1: 36 of 1,613,848 alleles (0.0022%); highest among the groups gnomAD compares: Non-Finnish European, 0.0029%; no homozygotes.

Submissions (2):

PreventionGenetics, part of Exact Sciences
Classification: Likely benign for DST-related condition. Last evaluated: 2026-03-19. Review status: criteria provided, single submitter. Criteria: ACMG Guidelines, 2015. Collection method: clinical testing. Allele origin: germline.
Comment: This variant is classified as likely benign based on ACMG/AMP sequence variant interpretation guidelines (Richards et al. 2015 PMID: 25741868, with internal and published modifications).

Labcorp Genetics (formerly Invitae), Labcorp
Classification: Likely benign for Epidermolysis bullosa simplex 3, localized or generalized intermediate, with BP230 deficiency; Hereditary sensory and autonomic neuropathy type 6. Last evaluated: 2026-01-25. Review status: criteria provided, single submitter. Criteria: Invitae Variant Classification Sherloc (09022015). Collection method: clinical testing. Allele origin: germline.

NM_001374736.1(DST):c.12546A>G (p.Glu4182=)

Gene: DST (dystonin; minus strand). Cytogenetic location: 6p12.1.
Variant type: single nucleotide variant.
Coding change: c.12546A>G on transcript NM_001374736.1 (MANE Select); coding-DNA position 12546, A replaced by G.
Protein change: p.Glu4182=; no amino-acid change (glutamic acid 4182 retained).
Molecular consequence: synonymous variant.
Genome position (GRCh38, 1-based): chr6:56,593,843, T>C on the plus strand (A>G on the coding strand, the complement: DST is on the minus strand). VCF-style: chr6-56593843-T-C. GRCh37 (hg19) VCF-style: chr6-56458641-T-C.
Other names: c.6189A>G (NM_001144769.2); c.6189A>G, p.Glu2063= (NM_001144769.5); c.5775A>G, p.Glu1925= (NM_001144770.2); c.12546A>G, p.Glu4182= (NM_001374722.1); c.11913A>G, p.Glu3971= (NM_001374729.1); c.5655A>G, p.Glu1885= (NM_001374730.1, NM_001386100.1, NM_183380.4); c.12573A>G, p.Glu4191= (NM_001374734.1); c.4677A>G, p.Glu1559= (NM_015548.5).
Identifiers: ClinVar variation 1144447 (VCV001144447.10), dbSNP rs751368596, ClinGen allele CA3868441.